The following is an entry in ClinVar:

ClinVar aggregate classification (germline): Likely benign (1 of 4 stars; one submission).

Allele frequency attached by ClinVar (database versions not stated): 1000 Genomes Project 0.00140; 1000 Genomes Project 30x 0.00141; ExAC 0.00155; gnomAD 0.00216; ESP Exome Variant Server 0.00246; TOPMed 0.00287.

Submission:

CeGaT Center for Human Genetics Tuebingen
Classification: Likely benign. Last evaluated: 2022-06-01. Review status: criteria provided, single submitter. Criteria: CeGaT Center For Human Genetics Tuebingen Variant Classification Criteria Version 2. Collection method: clinical testing. Allele origin: germline. Affected: yes. Observed: 1 variant allele.
Comment: FCGBP: BP4, BP7

NM_003890.3(FCGBP):c.2040C>T (p.Leu680=)

Gene: FCGBP (Fc gamma binding protein; minus strand). Cytogenetic location: 19q13.2.
Variant type: single nucleotide variant.
Coding change: c.2040C>T on transcript NM_003890.3 (MANE Select); coding-DNA position 2040, C replaced by T.
Protein change: p.Leu680=; no amino-acid change (leucine 680 retained).
Molecular consequence: synonymous variant.
Genome position (GRCh38, 1-based): chr19:39,918,256, G>A on the plus strand (C>T on the coding strand, the complement: FCGBP is on the minus strand). VCF-style: chr19-39918256-G-A. GRCh37 (hg19) VCF-style: chr19-40424163-G-A.
Identifiers: ClinVar variation 2649866 (VCV002649866.24), dbSNP rs142142987, ClinGen allele CA9437865.
Genomic context (GRCh38, chr19:39,918,256, plus strand): 5'-ACACTGCTCCAGGAAGGGCCTGGGGTCCAGGGTGTCATGGCAGACAGCGAAGGGGCCATC[G>A]AGCTTGGTCAGCATGCCACAGAGTCGGTCGCCCTCATAGTGTTGGGCCTGGCCTGGGGTG-3'
Protein context (NP_003881.2, residues 670-690): GDRLCGMLTK[Leu680=]DGPFAVCHDT